The following is an entry in ClinVar:

NM_006059.4(LAMC3):c.87A>C (p.Ala29=)

Gene: LAMC3 (laminin subunit gamma 3; plus strand). Cytogenetic location: 9q34.12.
Variant type: single nucleotide variant.
Coding change: c.87A>C on transcript NM_006059.4 (MANE Select); coding-DNA position 87, A replaced by C.
Protein change: p.Ala29=; no amino-acid change (alanine 29 retained).
Molecular consequence: synonymous variant.
Genome position (GRCh38, 1-based): chr9:131,009,301, A>C. VCF-style: chr9-131009301-A-C. GRCh37 (hg19) VCF-style: chr9-133884688-A-C.
Identifiers: ClinVar variation 4978594 (VCV004978594.1).

ClinVar aggregate classification (germline): Likely benign (1 of 4 stars; one submission).

Conditions:
LAMC3-related disorder. Also called: LAMC3-related condition.

Submission:

PreventionGenetics, part of Exact Sciences
Classification: Likely benign for LAMC3-related condition. Last evaluated: 2024-10-19. Review status: criteria provided, single submitter. Criteria: ACMG Guidelines, 2015. Collection method: clinical testing. Allele origin: germline.
Comment: This variant is classified as likely benign based on ACMG/AMP sequence variant interpretation guidelines (Richards et al. 2015 PMID: 25741868, with internal and published modifications).